The following is an entry in ClinVar:

ClinVar aggregate classification (germline): Pathogenic (1 of 4 stars; one submission).

Conditions:
Breast-ovarian cancer, familial, susceptibility to, 2 (BROVCA2). Also called: BRCA2 Hereditary Breast and Ovarian Cancer. Identifiers: Orphanet 145, MedGen C2675520, MONDO:0012933, OMIM 612555. Disease mechanism: loss of function.

Submission:

Myriad Genetics, Inc.
Classification: Pathogenic for Breast-ovarian cancer, familial, susceptibility to, 2. Last evaluated: 2023-05-30. Review status: criteria provided, single submitter. Criteria: Myriad Autosomal Dominant, Autosomal Recessive and X-Linked Classification Criteria (2023). Collection method: clinical testing. Allele origin: unknown.
Comment: This variant is considered pathogenic. This variant creates a frameshift predicted to result in premature protein truncation.

NM_000059.4(BRCA2):c.830dup (p.Asn277fs)

Gene: BRCA2 (BRCA2 DNA repair associated; plus strand). Cytogenetic location: 13q13.1.
Variant type: Duplication.
Coding change: c.830dup on transcript NM_000059.4 (MANE Select); coding-DNA position 830, one base duplicated (A; older notation c.830dupA).
Protein change: p.Asn277fs; shifts the reading frame from asparagine 277.
Molecular consequence: frameshift variant. On other transcripts: non-coding transcript variant (1), intron variant (1).
Genome position (GRCh38, 1-based): chr13:32,332,308, A duplicated; the last of 3 consecutive A bases (chr13:32,332,306-32,332,308); duplicating any one gives the same sequence. VCF-style (leftmost placement, unchanged base first): chr13-32332305-T-TA. GRCh37 (hg19) VCF-style: chr13-32906442-T-TA.
Other names: c.830dup, p.Asn277fs (NM_001406719.1, NM_001406720.1, NM_001406721.1); c.424+1278dup (NM_001406722.1); short protein forms N277fs.
Identifiers: ClinVar variation 2583835 (VCV002583835.2), dbSNP rs2137465084, ClinGen allele CA2582341827.